The following is an entry in ClinVar:

ClinVar aggregate classification (germline): Likely benign. Review status: criteria provided, multiple submitters, no conflicts (2 of 4 stars). 2 submissions from 2 submitters: Likely benign (2). Last evaluated 2025-10-01.

Conditions:
RFX6-related disorder. Also called: RFX6-related condition.

Allele frequency attached by ClinVar (database versions not stated): gnomAD exomes 0.00003; ExAC 0.00008; gnomAD 0.00015; TOPMed 0.00022; ESP Exome Variant Server 0.00023; 1000 Genomes Project 30x 0.00125; 1000 Genomes Project 0.00160.
gnomAD v4.1: 67 of 1,614,096 alleles (0.0042%); highest among the groups gnomAD compares: African/African-American, 0.071%; 1 homozygote.

Submissions (2):

Labcorp Genetics (formerly Invitae), Labcorp
Classification: Likely benign. Last evaluated: 2025-10-01. Review status: criteria provided, single submitter. Criteria: Invitae Variant Classification Sherloc (09022015). Collection method: clinical testing. Allele origin: germline.

PreventionGenetics, part of Exact Sciences
Classification: Likely benign for RFX6-related condition. Last evaluated: 2025-07-22. Review status: criteria provided, single submitter. Criteria: ACMG Guidelines, 2015. Collection method: clinical testing. Allele origin: germline.
Comment: This variant is classified as likely benign based on ACMG/AMP sequence variant interpretation guidelines (Richards et al. 2015 PMID: 25741868, with internal and published modifications).

NM_173560.4(RFX6):c.2328C>T (p.Ser776=)

Gene: RFX6 (regulatory factor X6; plus strand). Cytogenetic location: 6q22.1.
Variant type: single nucleotide variant.
Coding change: c.2328C>T on transcript NM_173560.4 (MANE Select); coding-DNA position 2328, C replaced by T.
Protein change: p.Ser776=; no amino-acid change (serine 776 retained).
Molecular consequence: synonymous variant.
Genome position (GRCh38, 1-based): chr6:116,927,469, C>T. VCF-style: chr6-116927469-C-T. GRCh37 (hg19) VCF-style: chr6-117248632-C-T.
Other names: c.2328C>T (NM_173560.3).
Identifiers: ClinVar variation 1985933 (VCV001985933.5), dbSNP rs148480292, ClinGen allele CA3973519.